The following is an entry in ClinVar:

ClinVar aggregate classification (germline): Uncertain significance (1 of 4 stars; one submission).

Conditions:
Familial sleep-related hypermotor epilepsy. Also called: Autosomal Dominant Sleep-Related Hypermotor (Hyperkinetic) Epilepsy. Identifiers: Orphanet 98784, MedGen C3696898, MONDO:0000030.

Allele frequency attached by ClinVar (database versions not stated): TOPMed below 0.00001.

Submission:

Labcorp Genetics (formerly Invitae), Labcorp
Classification: Uncertain significance. Last evaluated: 2023-10-22. Review status: criteria provided, single submitter. Criteria: Invitae Variant Classification Sherloc (09022015). Collection method: clinical testing. Allele origin: germline.
Comment: This sequence change replaces cysteine, which is neutral and slightly polar, with serine, which is neutral and polar, at codon 425 of the CHRNA2 protein (p.Cys425Ser). This variant is not present in population databases (gnomAD no frequency). This variant has not been reported in the literature in individuals affected with CHRNA2-related conditions. Advanced modeling of protein sequence and biophysical properties (such as structural, functional, and spatial information, amino acid conservation, physicochemical variation, residue mobility, and thermodynamic stability) performed at Invitae indicates that this missense variant is not expected to disrupt CHRNA2 protein function. In summary, the available evidence is currently insufficient to determine the role of this variant in disease. Therefore, it has been classified as a Variant of Uncertain Significance.

NM_000742.4(CHRNA2):c.1273T>A (p.Cys425Ser)

Gene: CHRNA2 (cholinergic receptor nicotinic alpha 2 subunit; minus strand). Cytogenetic location: 8p21.2.
Variant type: single nucleotide variant.
Coding change: c.1273T>A on transcript NM_000742.4 (MANE Select); coding-DNA position 1273, T replaced by A.
Protein change: p.Cys425Ser; replaces cysteine 425 with serine.
Molecular consequence: missense variant.
Genome position (GRCh38, 1-based): chr8:27,463,170, A>T on the plus strand (T>A on the coding strand, the complement: CHRNA2 is on the minus strand). VCF-style: chr8-27463170-A-T. GRCh37 (hg19) VCF-style: chr8-27320687-A-T.
Other names: c.1228T>A, p.Cys410Ser (NM_001282455.2); c.796T>A, p.Cys266Ser (NM_001347705.2, NM_001347706.2); c.679T>A, p.Cys227Ser (NM_001347707.2, NM_001347708.2); short protein forms C227S, C266S, C410S, C425S.
Identifiers: ClinVar variation 2787933 (VCV002787933.3), dbSNP rs1179640861, ClinGen allele CA370808998.